The following is an entry in ClinVar:

ClinVar aggregate classification (germline): Uncertain significance (1 of 4 stars; one submission).

Allele frequency attached by ClinVar (database versions not stated): TOPMed 0.00002; gnomAD 0.00003.
gnomAD v4.1: 20 of 1,613,884 alleles (0.0012%); highest among the groups gnomAD compares: East Asian, 0.0067%; no homozygotes.

Submission:

Labcorp Genetics (formerly Invitae), Labcorp
Classification: Uncertain significance. Last evaluated: 2024-12-12. Review status: criteria provided, single submitter. Criteria: Invitae Variant Classification Sherloc (09022015). Collection method: clinical testing. Allele origin: germline.
Comment: This sequence change replaces tyrosine, which is neutral and polar, with cysteine, which is neutral and slightly polar, at codon 77 of the TRPM1 protein (p.Tyr77Cys). This variant is present in population databases (no rsID available, gnomAD 0.06%). This variant has not been reported in the literature in individuals affected with TRPM1-related conditions. ClinVar contains an entry for this variant (Variation ID: 848209). Invitae Evidence Modeling of protein sequence and biophysical properties (such as structural, functional, and spatial information, amino acid conservation, physicochemical variation, residue mobility, and thermodynamic stability) indicates that this missense variant is not expected to disrupt TRPM1 protein function with a negative predictive value of 95%. In summary, the available evidence is currently insufficient to determine the role of this variant in disease. Therefore, it has been classified as a Variant of Uncertain Significance.

NM_001252024.2(TRPM1):c.296A>G (p.Tyr99Cys)

Gene: TRPM1 (transient receptor potential cation channel subfamily M member 1; minus strand). Cytogenetic location: 15q13.3.
Variant type: single nucleotide variant.
Coding change: c.296A>G on transcript NM_001252024.2 (MANE Select); coding-DNA position 296, A replaced by G.
Protein change: p.Tyr99Cys; replaces tyrosine 99 with cysteine.
Molecular consequence: missense variant.
Genome position (GRCh38, 1-based): chr15:31,068,076, T>C on the plus strand (A>G on the coding strand, the complement: TRPM1 is on the minus strand). VCF-style: chr15-31068076-T-C. GRCh37 (hg19) VCF-style: chr15-31360279-T-C.
Other names: c.347A>G, p.Tyr116Cys (NM_001252020.2); c.230A>G, p.Tyr77Cys (NM_002420.6); short protein forms Y116C, Y77C, Y99C.
Identifiers: ClinVar variation 848209 (VCV000848209.9), dbSNP rs1328215061, ClinGen allele CA391535384.